The following is an entry in ClinVar:

ClinVar aggregate classification (germline): Benign. Review status: criteria provided, multiple submitters, no conflicts (2 of 4 stars). 8 submissions from 8 submitters: Benign (5). 3 of the submissions do not count toward it. Last evaluated 2026-02-03.

Conditions:
Inborn genetic diseases. Identifiers: MedGen C0950123, MeSH D030342.
Nance-Horan syndrome (NHS). Identifiers: Orphanet 627, MedGen C0796085, MONDO:0010545, OMIM 302350.

Allele frequency attached by ClinVar (database versions not stated): gnomAD 0.06159 and 0.06491; gnomAD exomes 0.02527; 1000 Genomes Project 0.06728; ESP Exome Variant Server 0.07895; 1000 Genomes Project 30x 0.06909; TOPMed 0.06952; ExAC 0.02997.
gnomAD v4.1: 26,449 of 1,209,406 alleles (2.2%); highest among the groups gnomAD compares: African/African-American, 19%; 888 homozygotes.

Submissions (8):

Labcorp Genetics (formerly Invitae), Labcorp
Classification: Benign for Nance-Horan syndrome. Last evaluated: 2026-02-03. Review status: criteria provided, single submitter. Criteria: Invitae Variant Classification Sherloc (09022015). Collection method: clinical testing. Allele origin: germline.

GeneDx
Classification: Benign. Last evaluated: 2019-02-28. Review status: criteria provided, single submitter. Criteria: GeneDx Variant Classification Process June 2021. Collection method: clinical testing. Allele origin: germline. Affected: yes.
Comment: This variant is associated with the following publications: (PMID: 27884173, 21559051)

Ambry Genetics
Classification: Benign for Inborn genetic diseases. Last evaluated: 2014-12-13. Review status: criteria provided, single submitter. Criteria: Ambry Variant Classification Scheme 2023. Collection method: clinical testing. Allele origin: germline.

Eurofins Ntd Llc (ga)
Classification: Benign. Last evaluated: 2013-04-24. Review status: criteria provided, single submitter. Criteria: EGL Classification Definitions 2015. Collection method: clinical testing. Allele origin: germline. Observed: 4 variant alleles, 2 heterozygotes, 2 hemizygotes.

Breakthrough Genomics
Classification: Benign. Review status: criteria provided, single submitter. Criteria: ACMG Guidelines, 2015. Collection method: not provided. Allele origin: germline. Inheritance: X-linked inheritance. Affected: yes.

Genetic Services Laboratory, University of Chicago
Classification: Likely benign for AllHighlyPenetrant. Review status: no assertion criteria provided. Collection method: clinical testing. Allele origin: germline. Inheritance: X-linked inheritance. Not counted in ClinVar's aggregate classification.
Comment: Likely benign based on allele frequency in 1000 Genomes Project or ESP global frequency and its presence in a patient with a rare or unrelated disease phenotype. NOT Sanger confirmed.

Genome Diagnostics Laboratory, University Medical Center Utrecht
Classification: Benign. Review status: no assertion criteria provided. Collection method: clinical testing. Allele origin: germline. Affected: yes. Study: VKGL Data-share Consensus. Not counted in ClinVar's aggregate classification.

Laboratory of Diagnostic Genome Analysis, Leiden University Medical Center (LUMC)
Classification: Likely benign. Review status: no assertion criteria provided. Collection method: clinical testing. Allele origin: germline. Affected: yes. Study: VKGL Data-share Consensus. Not counted in ClinVar's aggregate classification.

NM_001291867.2(NHS):c.1714C>T (p.Pro572Ser)

Gene: NHS (NHS actin remodeling regulator; plus strand). Cytogenetic location: Xp22.13.
Variant type: single nucleotide variant.
Coding change: c.1714C>T on transcript NM_001291867.2 (MANE Select); coding-DNA position 1714, C replaced by T.
Protein change: p.Pro572Ser; replaces proline 572 with serine.
Molecular consequence: missense variant.
Genome position (GRCh38, 1-based): chrX:17,725,820, C>T. VCF-style: chrX-17725820-C-T. GRCh37 (hg19) VCF-style: chrX-17743940-C-T.
Other names: c.1183C>T, p.Pro395Ser (NM_001136024.4); c.1120C>T, p.Pro374Ser (NM_001291868.2); c.1651C>T, p.Pro551Ser (NM_198270.4); short protein forms P551S, P374S, P572S, P395S.
Identifiers: ClinVar variation 96632 (VCV000096632.26), dbSNP rs150688899, ClinGen allele CA149634.